The following is an entry in ClinVar:

NM_016616.5(NME8):c.1095T>A (p.Tyr365Ter)

Gene: NME8 (NME/NM23 family member 8; plus strand). Cytogenetic location: 7p14.1.
Variant type: single nucleotide variant.
Coding change: c.1095T>A on transcript NM_016616.5 (MANE Select); coding-DNA position 1095, T replaced by A.
Protein change: p.Tyr365Ter; replaces tyrosine 365 with a stop codon.
Molecular consequence: nonsense.
Genome position (GRCh38, 1-based): chr7:37,884,403, T>A. VCF-style: chr7-37884403-T-A. GRCh37 (hg19) VCF-style: chr7-37924005-T-A.
Other names: short protein forms Y365*.
Identifiers: ClinVar variation 3019097 (VCV003019097.3), dbSNP rs2483657933, ClinGen allele CA367215774.

ClinVar aggregate classification (germline): Uncertain significance (1 of 4 stars; one submission).

Conditions:
Primary ciliary dyskinesia 6. Also called: Primary Ciliary Dyskinesia 6: TXNDC3-Related Primary Ciliary Dyskinesia. Identifiers: Orphanet 244, MedGen C1970506, MONDO:0012571, OMIM 610852.

Submission:

Labcorp Genetics (formerly Invitae), Labcorp
Classification: Uncertain significance for Primary ciliary dyskinesia 6. Last evaluated: 2023-07-27. Review status: criteria provided, single submitter. Criteria: Invitae Variant Classification Sherloc (09022015). Collection method: clinical testing. Allele origin: germline.
Comment: This variant has not been reported in the literature in individuals affected with NME8-related conditions. In summary, the available evidence is currently insufficient to determine the role of this variant in disease. Therefore, it has been classified as a Variant of Uncertain Significance. This variant is not present in population databases (gnomAD no frequency). This sequence change creates a premature translational stop signal (p.Tyr365*) in the NME8 gene. It is expected to result in an absent or disrupted protein product. However, the current clinical and genetic evidence is not sufficient to establish whether loss-of-function variants in NME8 cause disease.